The following is an entry in ClinVar:

NM_001371623.1(TCOF1):c.827_844del (p.Gly276_Glu281del)

Gene: TCOF1 (treacle ribosome biogenesis factor 1; plus strand). Cytogenetic location: 5q32.
Variant type: Deletion.
Coding change: c.827_844del on transcript NM_001371623.1 (MANE Select); coding-DNA positions 827 to 844, 18 bases deleted (GATCTGAAAGTGAGGAGG).
Protein change: p.Gly276_Glu281del.
Molecular consequence: inframe deletion. On other transcripts: intron variant (2).
Genome position (GRCh38, 1-based): chr5:150,372,193-150,372,210, GATCTGAAAGTGAGGAGG deleted; deleting any 18 consecutive bases within chr5:150,372,183-150,372,210 gives the same sequence; the c. name uses the placement nearest the transcript's 3' end. VCF-style (leftmost placement, unchanged base first): chr5-150372182-TAGTGAGGAGGGATCTGAA-T. GRCh37 (hg19) VCF-style: chr5-149751745-TAGTGAGGAGGGATCTGAA-T.
Other names: c.827_844del18 (NM_001135243.1); c.827_844delGATCTGAAAGTGAGGAGG (NM_001135243.1); c.827_844del, p.Gly276_Glu281del (NM_001008657.3, NM_001135243.2, NM_001135244.2 and 1 more transcripts); c.640-1981_640-1964del (NM_001135245.2, NM_000356.4).
Identifiers: ClinVar variation 431981 (VCV000431981.48), dbSNP rs528897827, ClinGen allele CA3510668.

ClinVar aggregate classification (germline): Benign/Likely benign. Review status: criteria provided, multiple submitters, no conflicts (2 of 4 stars). 8 submissions from 8 submitters: Benign (2); Likely benign (5). 1 of the submissions does not count toward it. Last evaluated 2025-12-19.

Conditions:
TCOF1-related disorder. Also called: TCOF1-related condition.
Treacher Collins syndrome 1 (TCS1). Also called: TCOF1-Related Treacher Collins Syndrome. Identifiers: Orphanet 861, MedGen CN315775, MONDO:0007944, OMIM 154500.

Submissions (8):

Labcorp Genetics (formerly Invitae), Labcorp
Classification: Likely benign for Treacher Collins syndrome 1. Last evaluated: 2025-12-19. Review status: criteria provided, single submitter. Criteria: Invitae Variant Classification Sherloc (09022015). Collection method: clinical testing. Allele origin: germline.

Blueprint Genetics
Classification: Likely benign. Last evaluated: 2024-11-25. Review status: criteria provided, single submitter. Criteria: ACMG Guidelines, 2015. Collection method: clinical testing. Allele origin: germline.

CeGaT Center for Human Genetics Tuebingen
Classification: Likely benign. Last evaluated: 2023-06-01. Review status: criteria provided, single submitter. Criteria: CeGaT Center For Human Genetics Tuebingen Variant Classification Criteria Version 2. Collection method: clinical testing. Allele origin: germline. Affected: yes. Observed: 1 variant allele.
Comment: TCOF1: BS2

Athena Diagnostics
Classification: Benign. Last evaluated: 2019-07-02. Review status: criteria provided, single submitter. Criteria: Athena Diagnostics Criteria. Collection method: clinical testing. Allele origin: germline.

GeneDx
Classification: Benign. Last evaluated: 2019-05-01. Review status: criteria provided, single submitter. Criteria: GeneDx Variant Classification Process June 2021. Collection method: clinical testing. Allele origin: germline. Affected: yes.
Comment: This variant is associated with the following publications: (PMID: 22317976)

Center for Pediatric Genomic Medicine, Children's Mercy Hospital and Clinics
Classification: Likely benign. Last evaluated: 2017-05-12. Review status: criteria provided, single submitter. Criteria: ACMG Guidelines, 2015. Collection method: clinical testing. Allele origin: germline.

Eurofins Ntd Llc (ga)
Classification: Likely benign. Last evaluated: 2017-02-06. Review status: criteria provided, single submitter. Criteria: EGL Classification Definitions 2015. Collection method: clinical testing. Allele origin: germline. Observed: 2 variant alleles, 2 heterozygotes.

PreventionGenetics, part of Exact Sciences
Classification: Likely benign for TCOF1-related condition. Last evaluated: 2020-06-08. Review status: no assertion criteria provided. Collection method: clinical testing. Allele origin: germline. Not counted in ClinVar's aggregate classification.
Comment: This variant is classified as likely benign based on ACMG/AMP sequence variant interpretation guidelines (Richards et al. 2015 PMID: 25741868, with internal and published modifications).

Literature cited by the submitters: PubMed 22317976 (cited by Athena Diagnostics).